The following is an entry in ClinVar:

ClinVar aggregate classification (germline): Uncertain significance. Review status: criteria provided, multiple submitters, no conflicts (2 of 4 stars). 2 submissions from 2 submitters: Uncertain significance (2). Last evaluated 2025-03-29.

Conditions:
Inborn genetic diseases. Identifiers: MedGen C0950123, MeSH D030342.

Allele frequency attached by ClinVar (database versions not stated): ExAC 0.00016; gnomAD 0.00007; ESP Exome Variant Server 0.00017; gnomAD exomes 0.00023; TOPMed 0.00010.
gnomAD v4.1: 338 of 1,613,162 alleles (0.021%); highest among the groups gnomAD compares: Non-Finnish European, 0.028%; no homozygotes.

Submissions (2):

Labcorp Genetics (formerly Invitae), Labcorp
Classification: Uncertain significance. Last evaluated: 2025-03-29. Review status: criteria provided, single submitter. Criteria: Invitae Variant Classification Sherloc (09022015). Collection method: clinical testing. Allele origin: germline.
Comment: This sequence change replaces glutamic acid, which is acidic and polar, with aspartic acid, which is acidic and polar, at codon 1637 of the ROBO1 protein (p.Glu1637Asp). This variant is present in population databases (rs201046832, gnomAD 0.03%). This variant has not been reported in the literature in individuals affected with ROBO1-related conditions. ClinVar contains an entry for this variant (Variation ID: 2373263). Invitae Evidence Modeling of protein sequence and biophysical properties (such as structural, functional, and spatial information, amino acid conservation, physicochemical variation, residue mobility, and thermodynamic stability) indicates that this missense variant is not expected to disrupt ROBO1 protein function with a negative predictive value of 95%. In summary, the available evidence is currently insufficient to determine the role of this variant in disease. Therefore, it has been classified as a Variant of Uncertain Significance.

Ambry Genetics
Classification: Uncertain significance for Inborn genetic diseases. Last evaluated: 2022-12-01. Review status: criteria provided, single submitter. Criteria: Ambry Variant Classification Scheme 2023. Collection method: clinical testing. Allele origin: germline.

NM_002941.4(ROBO1):c.4911A>T (p.Glu1637Asp)

Gene: ROBO1 (roundabout guidance receptor 1; minus strand). Cytogenetic location: 3p12.3.
Variant type: single nucleotide variant.
Coding change: c.4911A>T on transcript NM_002941.4 (MANE Select); coding-DNA position 4911, A replaced by T.
Protein change: p.Glu1637Asp; replaces glutamic acid 1637 with aspartic acid.
Molecular consequence: missense variant.
Genome position (GRCh38, 1-based): chr3:78,600,143, T>A on the plus strand (A>T on the coding strand, the complement: ROBO1 is on the minus strand). VCF-style: chr3-78600143-T-A. GRCh37 (hg19) VCF-style: chr3-78649293-T-A.
Other names: c.4776A>T, p.Glu1592Asp (NM_001145844.1, NM_133631.4); c.4611A>T, p.Glu1537Asp (NM_001145845.2); short protein forms E1637D, E1592D, E1537D.
Identifiers: ClinVar variation 2373263 (VCV002373263.5), dbSNP rs201046832, ClinGen allele CA2497936.